The following is an entry in ClinVar:

ClinVar aggregate classification (germline): Uncertain significance (1 of 4 stars; one submission).

Allele frequency attached by ClinVar (database versions not stated): gnomAD exomes below 0.00001; TOPMed below 0.00001; ExAC 0.00001.
gnomAD v4.1: 3 of 1,613,218 alleles (0.00019%); highest among the groups gnomAD compares: Non-Finnish European, 0.00025%; no homozygotes.

Submission:

Labcorp Genetics (formerly Invitae), Labcorp
Classification: Uncertain significance. Last evaluated: 2023-06-06. Review status: criteria provided, single submitter. Criteria: Invitae Variant Classification Sherloc (09022015). Collection method: clinical testing. Allele origin: germline.
Comment: In summary, the available evidence is currently insufficient to determine the role of this variant in disease. Therefore, it has been classified as a Variant of Uncertain Significance. An algorithm developed to predict the effect of missense changes on protein structure and function (PolyPhen-2) suggests that this variant is likely to be tolerated. This variant has not been reported in the literature in individuals affected with AP3D1-related conditions. This variant is present in population databases (rs770195616, gnomAD 0.002%). This sequence change replaces glutamine, which is neutral and polar, with proline, which is neutral and non-polar, at codon 547 of the AP3D1 protein (p.Gln547Pro).

NM_001261826.3(AP3D1):c.1640A>C (p.Gln547Pro)

Gene: AP3D1 (adaptor related protein complex 3 subunit delta 1; minus strand). Cytogenetic location: 19p13.3.
Variant type: single nucleotide variant.
Coding change: c.1640A>C on transcript NM_001261826.3 (MANE Select); coding-DNA position 1640, A replaced by C.
Protein change: p.Gln547Pro; replaces glutamine 547 with proline.
Molecular consequence: missense variant.
Genome position (GRCh38, 1-based): chr19:2,118,674, T>G on the plus strand (A>C on the coding strand, the complement: AP3D1 is on the minus strand). VCF-style: chr19-2118674-T-G. GRCh37 (hg19) VCF-style: chr19-2118673-T-G.
Other names: c.1640A>C, p.Gln547Pro (NM_001374799.1, NM_003938.8); short protein forms Q547P.
Identifiers: ClinVar variation 2713343 (VCV002713343.3), dbSNP rs770195616, ClinGen allele CA9059259.